The following is an entry in ClinVar:

ClinVar aggregate classification (germline): Uncertain significance (1 of 4 stars; one submission).

Conditions:
Propionic acidemia (PROP). Also called: KETOTIC HYPERGLYCINEMIA; GLYCINEMIA, KETOTIC; HYPERGLYCINEMIA WITH KETOACIDOSIS AND LEUKOPENIA. Identifiers: Orphanet 35, MedGen C0268579, MONDO:0011628, OMIM 606054, HP:0003571.

Allele frequency attached by ClinVar (database versions not stated): gnomAD exomes below 0.00001; ExAC 0.00001; gnomAD 0.00001.
gnomAD v4.1: 1 of 1,612,888 alleles (0.000062%); highest among the groups gnomAD compares: Non-Finnish European, 0.000085%; no homozygotes.

Submission:

Labcorp Genetics (formerly Invitae), Labcorp
Classification: Uncertain significance for Propionic acidemia. Last evaluated: 2023-11-27. Review status: criteria provided, single submitter. Criteria: Invitae Variant Classification Sherloc (09022015). Collection method: clinical testing. Allele origin: germline.
Comment: This sequence change replaces arginine, which is basic and polar, with tryptophan, which is neutral and slightly polar, at codon 44 of the PCCB protein (p.Arg44Trp). The frequency data for this variant in the population databases is considered unreliable, as metrics indicate poor data quality at this position in the gnomAD database. This variant has not been reported in the literature in individuals affected with PCCB-related conditions. ClinVar contains an entry for this variant (Variation ID: 1345381). Advanced modeling of protein sequence and biophysical properties (such as structural, functional, and spatial information, amino acid conservation, physicochemical variation, residue mobility, and thermodynamic stability) has been performed at Invitae for this missense variant, however the output from this modeling did not meet the statistical confidence thresholds required to predict the impact of this variant on PCCB protein function. In summary, the available evidence is currently insufficient to determine the role of this variant in disease. Therefore, it has been classified as a Variant of Uncertain Significance.

NM_000532.5(PCCB):c.130C>T (p.Arg44Trp)

Gene: PCCB (propionyl-CoA carboxylase subunit beta; plus strand). Cytogenetic location: 3q22.3.
Variant type: single nucleotide variant.
Coding change: c.130C>T on transcript NM_000532.5 (MANE Select); coding-DNA position 130, C replaced by T.
Protein change: p.Arg44Trp; replaces arginine 44 with tryptophan.
Molecular consequence: missense variant.
Genome position (GRCh38, 1-based): chr3:136,250,505, C>T. VCF-style: chr3-136250505-C-T. GRCh37 (hg19) VCF-style: chr3-135969347-C-T.
Other names: c.130C>T, p.Arg44Trp (NM_001178014.2); short protein forms R44W.
Identifiers: ClinVar variation 1345381 (VCV001345381.6), dbSNP rs749210374, ClinGen allele CA2631578.